The following is an entry in ClinVar:

NM_000453.3(SLC5A5):c.792G>T (p.Ala264=)

Gene: SLC5A5 (solute carrier family 5 member 5; plus strand). Cytogenetic location: 19p13.11.
Variant type: single nucleotide variant.
Coding change: c.792G>T on transcript NM_000453.3 (MANE Select); coding-DNA position 792, G replaced by T.
Protein change: p.Ala264=; no amino-acid change (alanine 264 retained).
Molecular consequence: synonymous variant.
Genome position (GRCh38, 1-based): chr19:17,877,816, G>T. VCF-style: chr19-17877816-G-T. GRCh37 (hg19) VCF-style: chr19-17988625-G-T.
Identifiers: ClinVar variation 742603 (VCV000742603.11), dbSNP rs148887708, ClinGen allele CA9302889.

ClinVar aggregate classification (germline): Likely benign. Review status: criteria provided, multiple submitters, no conflicts (2 of 4 stars). 3 submissions from 3 submitters: Likely benign (3). Last evaluated 2025-12-01.

Conditions:
SLC5A5-related disorder. Also called: SLC5A5-related condition.

Allele frequency attached by ClinVar (database versions not stated): TOPMed 0.00018; ESP Exome Variant Server 0.00031.
gnomAD v4.1: 348 of 1,614,088 alleles (0.022%); highest among the groups gnomAD compares: Non-Finnish European, 0.028%; no homozygotes.

Submissions (3):

CeGaT Center for Human Genetics Tuebingen
Classification: Likely benign. Last evaluated: 2025-12-01. Review status: criteria provided, single submitter. Criteria: CeGaT Center For Human Genetics Tuebingen Variant Classification Criteria Version 2. Collection method: clinical testing. Allele origin: germline. Affected: yes. Observed: 1 variant allele.
Comment: SLC5A5: BP4, BP7

PreventionGenetics, part of Exact Sciences
Classification: Likely benign for SLC5A5-related condition. Last evaluated: 2025-02-17. Review status: criteria provided, single submitter. Criteria: ACMG Guidelines, 2015. Collection method: clinical testing. Allele origin: germline.
Comment: This variant is classified as likely benign based on ACMG/AMP sequence variant interpretation guidelines (Richards et al. 2015 PMID: 25741868, with internal and published modifications).

Labcorp Genetics (formerly Invitae), Labcorp
Classification: Likely benign. Last evaluated: 2024-04-15. Review status: criteria provided, single submitter. Criteria: Invitae Variant Classification Sherloc (09022015). Collection method: clinical testing. Allele origin: germline.